The following is an entry in ClinVar:

NM_000059.4(BRCA2):c.5960A>G (p.Gln1987Arg)

Gene: BRCA2 (BRCA2 DNA repair associated; plus strand). Cytogenetic location: 13q13.1.
Variant type: single nucleotide variant.
Coding change: c.5960A>G on transcript NM_000059.4 (MANE Select); coding-DNA position 5960, A replaced by G.
Protein change: p.Gln1987Arg; replaces glutamine 1987 with arginine.
Molecular consequence: missense variant.
Genome position (GRCh38, 1-based): chr13:32,340,315, A>G. VCF-style: chr13-32340315-A-G. GRCh37 (hg19) VCF-style: chr13-32914452-A-G.
Other names: short protein forms Q1987R.
Identifiers: ClinVar variation 1062982 (VCV001062982.14), dbSNP rs1364714267, ClinGen allele CA387787607.

ClinVar aggregate classification (germline): Conflicting classifications of pathogenicity. Review status: criteria provided, conflicting classifications (1 of 4 stars). 5 submissions from 5 submitters: Uncertain significance (3); Likely benign (2). Last evaluated 2025-08-13.

Conditions:
Hereditary cancer-predisposing syndrome. Also called: Hereditary Cancer Syndrome; Hereditary neoplastic syndrome; Neoplastic Syndromes, Hereditary; Tumor predisposition. Identifiers: Orphanet 140162, MedGen C0027672, MeSH D009386, MONDO:0015356.
Hereditary breast ovarian cancer syndrome. Also called: Hereditary breast and ovarian cancer syndrome (HBOC); Breast and ovarian cancer; Hereditary breast and/or ovarian cancer syndrome; BRCA1- and BRCA2-Associated Hereditary Breast and Ovarian Cancer; Hereditary breast and ovarian cancer syndrome; Hereditary breast and ovarian cancer. Identifiers: Orphanet 145, MedGen C0677776, MeSH D061325, MONDO:0003582. Disease mechanism: loss of function.

Allele frequency attached by ClinVar (database versions not stated): gnomAD exomes below 0.00001; gnomAD 0.00001; TOPMed 0.00001.
gnomAD v4.1: 5 of 1,613,926 alleles (0.00031%); highest among the groups gnomAD compares: African/African-American, 0.0013%; no homozygotes.

Submissions (5):

Ambry Genetics
Classification: Uncertain significance for Hereditary cancer-predisposing syndrome. Last evaluated: 2025-08-13. Review status: criteria provided, single submitter. Criteria: Ambry Variant Classification Scheme 2023. Collection method: clinical testing. Allele origin: germline.
Comment: The p.Q1987R variant (also known as c.5960A>G), located in coding exon 10 of the BRCA2 gene, results from an A to G substitution at nucleotide position 5960. The glutamine at codon 1987 is replaced by arginine, an amino acid with highly similar properties. This amino acid position is not well conserved in available vertebrate species. In addition, the in silico prediction for this alteration is inconclusive. Since supporting evidence is limited at this time, the clinical significance of this alteration remains unclear.

Labcorp Genetics (formerly Invitae), Labcorp
Classification: Uncertain significance for Hereditary breast ovarian cancer syndrome. Last evaluated: 2025-08-09. Review status: criteria provided, single submitter. Criteria: Invitae Variant Classification Sherloc (09022015). Collection method: clinical testing. Allele origin: germline.
Comment: This sequence change replaces glutamine, which is neutral and polar, with arginine, which is basic and polar, at codon 1987 of the BRCA2 protein (p.Gln1987Arg). This variant is not present in population databases (gnomAD no frequency). This variant has not been reported in the literature in individuals affected with BRCA2-related conditions. ClinVar contains an entry for this variant (Variation ID: 1062982). Invitae Evidence Modeling of protein sequence and biophysical properties (such as structural, functional, and spatial information, amino acid conservation, physicochemical variation, residue mobility, and thermodynamic stability) indicates that this missense variant is not expected to disrupt BRCA2 protein function with a negative predictive value of 95%. In summary, the available evidence is currently insufficient to determine the role of this variant in disease. Therefore, it has been classified as a Variant of Uncertain Significance.

Color Diagnostics, LLC DBA Color Health
Classification: Likely benign for Hereditary cancer-predisposing syndrome. Last evaluated: 2025-07-03. Review status: criteria provided, single submitter. Criteria: ACMG Guidelines, 2015. Collection method: clinical testing. Allele origin: germline.

Quest Diagnostics Nichols Institute San Juan Capistrano
Classification: Uncertain significance. Last evaluated: 2025-03-12. Review status: criteria provided, single submitter. Criteria: Quest Diagnostics criteria. Collection method: clinical testing. Allele origin: unknown.
Comment: The BRCA2 c.5960A>G (p.Gln1987Arg) variant has been reported in the published literature to be located in a region of the BRCA2 gene that is tolerant to missense sequence changes (PMID: 31911673 (2020)). To the best of our knowledge, this variant has not been reported in individuals with BRCA2 -related disorders. The frequency of this variant in the general population (Genome Aggregation Database) is uninformative in the assessment of its pathogenicity. Analysis of this variant using bioinformatics tools for the prediction of the effect of amino acid changes on protein structure and function yielded predictions that this variant is benign. Based on the available information, we are unable to determine the clinical significance of this variant.

University of Washington Department of Laboratory Medicine, University of Washington
Classification: Likely benign for Hereditary cancer-predisposing syndrome. Last evaluated: 2023-03-23. Review status: criteria provided, single submitter. Criteria: Dines et al. (Genet Med. 2020). Collection method: curation. Allele origin: germline.
Comment: Missense variant in a coldspot region where missense variants are very unlikely to be pathogenic (PMID:31911673).

BRCA2 exon 11 coldspot. Reclassification based on statistical prior probability.

Literature cited by the submitters: PubMed 31911673 (cited by Quest Diagnostics Nichols Institute San Juan Capistrano).